The following is an entry in ClinVar:

NM_000152.5(GAA):c.2481+4C>G

Gene: GAA (alpha glucosidase; plus strand). Cytogenetic location: 17q25.3.
Variant type: single nucleotide variant.
Coding change: c.2481+4C>G on transcript NM_000152.5 (MANE Select); 4 bases into the intron after coding-DNA position 2481, C replaced by G.
Molecular consequence: intron variant.
Genome position (GRCh38, 1-based): chr17:80,117,753, C>G. VCF-style: chr17-80117753-C-G. GRCh37 (hg19) VCF-style: chr17-78091552-C-G.
Other names: c.2481+4C>G (NM_001079803.3, NM_001079804.3).
Identifiers: ClinVar variation 2421932 (VCV002421932.6), dbSNP rs2039389862, ClinGen allele CA986711373.

ClinVar aggregate classification (germline): Uncertain significance. Review status: criteria provided, multiple submitters, no conflicts (2 of 4 stars). 2 submissions from 2 submitters: Uncertain significance (2). Last evaluated 2025-01-09.

Conditions:
Glycogen storage disease, type II (IOPD). Also called: ACID ALPHA-GLUCOSIDASE DEFICIENCY, INFANTILE-ONSET; GAA DEFICIENCY, INFANTILE-ONSET; POMPE DISEASE, INFANTILE-ONSET; GLYCOGEN STORAGE DISEASE II, INFANTILE-ONSET; Glucosidase acid-1,4-alpha deficiency; ACID MALTASE DEFICIENCY, INFANTILE-ONSET. Identifiers: Orphanet 365, MedGen C0017921, MONDO:0009290, OMIM 232300.

Allele frequency attached by ClinVar (database versions not stated): gnomAD 0.00001; TOPMed 0.00001.
gnomAD v4.1: 2 of 1,606,618 alleles (0.00012%); highest among the groups gnomAD compares: Admixed American, 0.0034%; no homozygotes.

Submissions (2):

Labcorp Genetics (formerly Invitae), Labcorp
Classification: Uncertain significance for Glycogen storage disease, type II. Last evaluated: 2025-01-09. Review status: criteria provided, single submitter. Criteria: Invitae Variant Classification Sherloc (09022015). Collection method: clinical testing. Allele origin: germline.
Comment: This sequence change falls in intron 17 of the GAA gene. It does not directly change the encoded amino acid sequence of the GAA protein. It affects a nucleotide within the consensus splice site. This variant is not present in population databases (gnomAD no frequency). This variant has not been reported in the literature in individuals affected with GAA-related conditions. ClinVar contains an entry for this variant (Variation ID: 2421932). Variants that disrupt the consensus splice site are a relatively common cause of aberrant splicing (PMID: 17576681, 9536098). Algorithms developed to predict the effect of sequence changes on RNA splicing suggest that this variant is not likely to affect RNA splicing. In summary, the available evidence is currently insufficient to determine the role of this variant in disease. Therefore, it has been classified as a Variant of Uncertain Significance.

Women's Health and Genetics/Laboratory Corporation of America, LabCorp
Classification: Uncertain significance. Last evaluated: 2024-01-01. Review status: criteria provided, single submitter. Criteria: LabCorp Variant Classification Summary - May 2015. Collection method: clinical testing. Allele origin: germline.

Literature cited by the submitters: PubMed 17576681 (cited by Labcorp Genetics (formerly Invitae), Labcorp); PubMed 9536098 (cited by Labcorp Genetics (formerly Invitae), Labcorp).